The following is an entry in ClinVar:

ClinVar aggregate classification (germline): Pathogenic/Likely pathogenic. Review status: criteria provided, multiple submitters, no conflicts (2 of 4 stars). 3 submissions from 3 submitters: Pathogenic (1); Likely pathogenic (1). 1 of the submissions does not count toward it. Last evaluated 2024-01-04.

Conditions:
Beta-D-mannosidosis (MANSB). Also called: MANNOSIDOSIS, BETA A, LYSOSOMAL; BETA-MANNOSIDASE DEFICIENCY; Beta-Mannosidosis; LYSOSOMAL BETA-MANNOSIDASE DEFICIENCY. Identifiers: Orphanet 118, MedGen C4048196, MONDO:0009562, OMIM 248510.

Allele frequency attached by ClinVar (database versions not stated): gnomAD 0.00001.
gnomAD v4.1: 5 of 1,606,270 alleles (0.00031%); highest among the groups gnomAD compares: Non-Finnish European, 0.00034%; no homozygotes.

Submissions (3):

Labcorp Genetics (formerly Invitae), Labcorp
Classification: Pathogenic for Beta-D-mannosidosis. Last evaluated: 2024-01-04. Review status: criteria provided, single submitter. Criteria: Invitae Variant Classification Sherloc (09022015). Collection method: clinical testing. Allele origin: germline.
Comment: This sequence change creates a premature translational stop signal (p.Ser244*) in the MANBA gene. It is expected to result in an absent or disrupted protein product. Loss-of-function variants in MANBA are known to be pathogenic (PMID: 9384606, 12468273). This variant is not present in population databases (gnomAD no frequency). This variant has not been reported in the literature in individuals affected with MANBA-related conditions. ClinVar contains an entry for this variant (Variation ID: 558951). For these reasons, this variant has been classified as Pathogenic.

Fulgent Genetics
Classification: Likely pathogenic for Beta-D-mannosidosis. Last evaluated: 2024-01-03. Review status: criteria provided, single submitter. Criteria: ACMG Guidelines, 2015. Collection method: clinical testing. Allele origin: germline.

Mayo Clinic Laboratories, Mayo Clinic
Classification: Likely pathogenic. Last evaluated: 2017-06-07. Review status: no assertion criteria provided. Collection method: clinical testing. Allele origin: unknown. Not counted in ClinVar's aggregate classification.

Literature cited by the submitters: PubMed 9384606 (cited by Labcorp Genetics (formerly Invitae), Labcorp); PubMed 12468273 (cited by Labcorp Genetics (formerly Invitae), Labcorp).

NM_005908.4(MANBA):c.731C>G (p.Ser244Ter)

Gene: MANBA (mannosidase beta; minus strand). Cytogenetic location: 4q24.
Variant type: single nucleotide variant.
Coding change: c.731C>G on transcript NM_005908.4 (MANE Select); coding-DNA position 731, C replaced by G.
Protein change: p.Ser244Ter; replaces serine 244 with a stop codon.
Molecular consequence: nonsense.
Genome position (GRCh38, 1-based): chr4:102,690,714, G>C on the plus strand (C>G on the coding strand, the complement: MANBA is on the minus strand). VCF-style: chr4-102690714-G-C. GRCh37 (hg19) VCF-style: chr4-103611871-G-C.
Other names: short protein forms S244*.
Identifiers: ClinVar variation 558951 (VCV000558951.10), dbSNP rs1553948361, ClinGen allele CA357769709.
Genomic context (GRCh38, chr4:102,690,714, plus strand): 5'-TATGTCTGTTGTGTTTGCAACTTAGGGATGGCTACGATCACTTGACCACCAACTGGCTTT[G>C]AGCTGACAACATCAAATGTAGACTCTATTTCCAGATTCCACTCCTGGGCACTCTTATCTA-3'